The following is an entry in ClinVar:

NM_138713.4(NFAT5):c.4089A>C (p.Glu1363Asp)

Gene: NFAT5 (nuclear factor of activated T cells 5; plus strand). Cytogenetic location: 16q22.1.
Variant type: single nucleotide variant.
Coding change: c.4089A>C on transcript NM_138713.4 (MANE Select); coding-DNA position 4089, A replaced by C.
Protein change: p.Glu1363Asp; replaces glutamic acid 1363 with aspartic acid.
Molecular consequence: missense variant.
Genome position (GRCh38, 1-based): chr16:69,693,914, A>C. VCF-style: chr16-69693914-A-C. GRCh37 (hg19) VCF-style: chr16-69727817-A-C.
Other names: c.3807A>C, p.Glu1269Asp (NM_138714.4, NM_173214.3, NM_173215.3); c.4086A>C, p.Glu1362Asp (NM_001113178.3); c.3414A>C, p.Glu1138Asp (NM_001367709.1); c.4035A>C, p.Glu1345Asp (NM_006599.4); short protein forms E1138D, E1345D, E1269D, E1363D, E1362D.
Identifiers: ClinVar variation 1521654 (VCV001521654.6), dbSNP rs754921543, ClinGen allele CA8136005.

ClinVar aggregate classification (germline): Uncertain significance (1 of 4 stars; one submission).

Conditions:
Immunodeficiency. Identifiers: MedGen C0021051, MONDO:0021094, HP:0002721.

gnomAD v4.1: 29 of 1,614,116 alleles (0.0018%); highest among the groups gnomAD compares: South Asian, 0.032%; no homozygotes.

Submission:

Labcorp Genetics (formerly Invitae), Labcorp
Classification: Uncertain significance for Immunodeficiency. Last evaluated: 2021-11-06. Review status: criteria provided, single submitter. Criteria: Invitae Variant Classification Sherloc (09022015). Collection method: clinical testing. Allele origin: germline.
Comment: This sequence change replaces glutamic acid, which is acidic and polar, with aspartic acid, which is acidic and polar, at codon 1269 of the NFAT5 protein (p.Glu1269Asp). This variant is present in population databases (rs754921543, gnomAD 0.02%). This variant has not been reported in the literature in individuals affected with NFAT5-related conditions. Algorithms developed to predict the effect of missense changes on protein structure and function (SIFT, PolyPhen-2, Align-GVGD) all suggest that this variant is likely to be tolerated. In summary, the available evidence is currently insufficient to determine the role of this variant in disease. Therefore, it has been classified as a Variant of Uncertain Significance.